The following is an entry in ClinVar:

NM_003055.3(SLC18A3):c.177C>G (p.Asp59Glu)

Genes: CHAT (choline O-acetyltransferase; plus strand), SLC18A3 (solute carrier family 18 member A3; plus strand). Cytogenetic location: 10q11.23.
Variant type: single nucleotide variant.
Coding change: c.177C>G on transcript NM_003055.3 (MANE Select); coding-DNA position 177, C replaced by G.
Protein change: p.Asp59Glu; replaces aspartic acid 59 with glutamic acid.
Molecular consequence: missense variant. On other transcripts: intron variant (1).
Genome position (GRCh38, 1-based): chr10:49,610,917, C>G. VCF-style: chr10-49610917-C-G. GRCh37 (hg19) VCF-style: chr10-50818963-C-G.
Other names: c.-69+1718C>G (NM_020984.4); short protein forms D59E.
Identifiers: ClinVar variation 1943535 (VCV001943535.3), dbSNP rs1274088809, ClinGen allele CA376716322.
Genomic context (GRCh38, chr10:49,610,917, plus strand): 5'-GTGCGTGGCGCTGTTACTGGACAACATGCTGTACATGGTCATCGTGCCCATAGTGCCCGA[C>G]TACATCGCCCACATGCGCGGGGGCGGCGAGGGCCCCACCCGGACTCCCGAGGTGTGGGAG-3'
Protein context (NP_003046.2, residues 49-69): LYMVIVPIVP[Asp59Glu]YIAHMRGGGE

ClinVar aggregate classification (germline): Uncertain significance. Review status: criteria provided, multiple submitters, no conflicts (2 of 4 stars). 2 submissions from 2 submitters: Uncertain significance (2). Last evaluated 2025-12-09.

Conditions:
Inborn genetic diseases. Identifiers: MedGen C0950123, MeSH D030342.

Allele frequency attached by ClinVar (database versions not stated): gnomAD exomes below 0.00001; gnomAD 0.00001; TOPMed 0.00001.
gnomAD v4.1: 4 of 1,611,544 alleles (0.00025%); highest among the groups gnomAD compares: African/African-American, 0.004%; no homozygotes.

Submissions (2):

Ambry Genetics
Classification: Uncertain significance for Inborn genetic diseases. Last evaluated: 2025-12-09. Review status: criteria provided, single submitter. Criteria: Ambry Variant Classification Scheme 2023. Collection method: clinical testing. Allele origin: germline.

Labcorp Genetics (formerly Invitae), Labcorp
Classification: Uncertain significance. Last evaluated: 2022-07-05. Review status: criteria provided, single submitter. Criteria: Invitae Variant Classification Sherloc (09022015). Collection method: clinical testing. Allele origin: germline.
Comment: In summary, the available evidence is currently insufficient to determine the role of this variant in disease. Therefore, it has been classified as a Variant of Uncertain Significance. Algorithms developed to predict the effect of missense changes on protein structure and function (SIFT, PolyPhen-2, Align-GVGD) all suggest that this variant is likely to be tolerated. This variant has not been reported in the literature in individuals affected with SLC18A3-related conditions. This variant is present in population databases (no rsID available, gnomAD 0.007%). This sequence change replaces aspartic acid, which is acidic and polar, with glutamic acid, which is acidic and polar, at codon 59 of the SLC18A3 protein (p.Asp59Glu).